The following is an entry in ClinVar:

NM_003476.5(CSRP3):c.280C>G (p.Gln94Glu)

Gene: CSRP3 (cysteine and glycine rich protein 3; minus strand). Cytogenetic location: 11p15.1.
Variant type: single nucleotide variant.
Coding change: c.280C>G on transcript NM_003476.5 (MANE Select); coding-DNA position 280, C replaced by G.
Protein change: p.Gln94Glu; replaces glutamine 94 with glutamic acid.
Molecular consequence: missense variant. On other transcripts: intron variant (1).
Genome position (GRCh38, 1-based): chr11:19,188,137, G>C on the plus strand (C>G on the coding strand, the complement: CSRP3 is on the minus strand). VCF-style: chr11-19188137-G-C. GRCh37 (hg19) VCF-style: chr11-19209684-G-C.
Other names: c.280C>G (NM_003476.3); c.113-1789C>G (NM_001369404.1); short protein forms Q94E.
Identifiers: ClinVar variation 1302244 (VCV001302244.8), dbSNP rs1163785853, ClinGen allele CA379888112.

ClinVar aggregate classification (germline): Conflicting classifications of pathogenicity. Review status: criteria provided, conflicting classifications (1 of 4 stars). 4 submissions from 4 submitters: Uncertain significance (3); Likely benign (1). Last evaluated 2025-06-13.

Conditions:
Cardiovascular phenotype. Identifiers: MedGen CN230736.
Dilated cardiomyopathy 1M (CMD1M). Identifiers: Orphanet 154, MedGen C1843808, MONDO:0011840, OMIM 607482.
Hypertrophic cardiomyopathy 12. Identifiers: MedGen C2677491, MONDO:0012804, OMIM 612124.

Allele frequency attached by ClinVar (database versions not stated): gnomAD exomes below 0.00001.

Submissions (4):

Ambry Genetics
Classification: Likely benign for Cardiovascular phenotype. Last evaluated: 2025-06-13. Review status: criteria provided, single submitter. Criteria: Ambry Variant Classification Scheme 2023. Collection method: clinical testing. Allele origin: germline.

Molecular Diagnostic Laboratory for Inherited Cardiovascular Disease, Montreal Heart Institute
Classification: Uncertain significance for Cardiovascular phenotype. Last evaluated: 2025-04-09. Review status: criteria provided, single submitter. Criteria: ACMG Guidelines, 2015. Collection method: clinical testing. Allele origin: germline. Affected: yes.
Comment: PM2, BP4

Labcorp Genetics (formerly Invitae), Labcorp
Classification: Uncertain significance for Hypertrophic cardiomyopathy 12; Dilated cardiomyopathy 1M. Last evaluated: 2023-08-23. Review status: criteria provided, single submitter. Criteria: Invitae Variant Classification Sherloc (09022015). Collection method: clinical testing. Allele origin: germline.
Comment: This sequence change replaces glutamine, which is neutral and polar, with glutamic acid, which is acidic and polar, at codon 94 of the CSRP3 protein (p.Gln94Glu). This variant is present in population databases (no rsID available, gnomAD 0.003%). This variant has not been reported in the literature in individuals affected with CSRP3-related conditions. ClinVar contains an entry for this variant (Variation ID: 1302244). Algorithms developed to predict the effect of missense changes on protein structure and function output the following: SIFT: "Not Available"; PolyPhen-2: "Benign"; Align-GVGD: "Not Available". The glutamic acid amino acid residue is found in multiple mammalian species, which suggests that this missense change does not adversely affect protein function. In summary, the available evidence is currently insufficient to determine the role of this variant in disease. Therefore, it has been classified as a Variant of Uncertain Significance.

GeneDx
Classification: Uncertain significance. Last evaluated: 2019-03-29. Review status: criteria provided, single submitter. Criteria: GeneDx Variant Classification Process June 2021. Collection method: clinical testing. Allele origin: germline. Affected: yes.
Comment: Has not been previously published as pathogenic or benign to our knowledge; Not observed at a significant frequency in large population cohorts (Lek et al., 2016); In silico analysis, which includes protein predictors and evolutionary conservation, supports that this variant does not alter protein structure/function